The following is an entry in ClinVar:

ClinVar aggregate classification (germline): Likely pathogenic. Review status: criteria provided, single submitter (1 of 4 stars). 2 submissions from 2 submitters: Likely pathogenic (1). 1 of the submissions does not count toward it. Last evaluated 2025-02-27.

Conditions:
Disabling pansclerotic morphea of childhood (DPMC). Also called: SCLERODERMA, JUVENILE LOCALIZED. Identifiers: MedGen C3898649, MONDO:0957497, OMIM 620443.

Submissions (2):

Labcorp Genetics (formerly Invitae), Labcorp
Classification: Likely pathogenic. Last evaluated: 2025-02-27. Review status: criteria provided, single submitter. Criteria: Invitae Variant Classification Sherloc (09022015). Collection method: clinical testing. Allele origin: germline.
Comment: This sequence change replaces alanine, which is neutral and non-polar, with valine, which is neutral and non-polar, at codon 635 of the STAT4 protein (p.Ala635Val). This variant is not present in population databases (gnomAD no frequency). This missense change has been observed in individual(s) with disabling pansclerotic morphea (PMID: 37256972). It has also been observed to segregate with disease in related individuals. ClinVar contains an entry for this variant (Variation ID: 2572046). Invitae Evidence Modeling of protein sequence and biophysical properties (such as structural, functional, and spatial information, amino acid conservation, physicochemical variation, residue mobility, and thermodynamic stability) indicates that this missense variant is not expected to disrupt STAT4 protein function with a negative predictive value of 80%. Experimental studies have shown that this missense change affects STAT4 function (PMID: 37256972). In summary, the currently available evidence indicates that the variant is pathogenic, but additional data are needed to prove that conclusively. Therefore, this variant has been classified as Likely Pathogenic.

OMIM
Classification: Pathogenic for DISABLING PANSCLEROTIC MORPHEA OF CHILDHOOD. Last evaluated: 2023-07-11. Review status: no assertion criteria provided. Collection method: literature only. Allele origin: germline. Not counted in ClinVar's aggregate classification.

Literature cited by the submitters: PubMed 37256972 (cited by Labcorp Genetics (formerly Invitae), Labcorp and OMIM).

NM_003151.4(STAT4):c.1904C>T (p.Ala635Val)

Gene: STAT4 (signal transducer and activator of transcription 4; minus strand). Cytogenetic location: 2q32.2.
Variant type: single nucleotide variant.
Coding change: c.1904C>T on transcript NM_003151.4 (MANE Select); coding-DNA position 1904, C replaced by T.
Protein change: p.Ala635Val; replaces alanine 635 with valine.
Molecular consequence: missense variant.
Genome position (GRCh38, 1-based): chr2:191,033,098, G>A on the plus strand (C>T on the coding strand, the complement: STAT4 is on the minus strand). VCF-style: chr2-191033098-G-A. GRCh37 (hg19) VCF-style: chr2-191897824-G-A.
Other names: c.1904C>T, p.Ala635Val (NM_001243835.2); short protein forms A635V.
Identifiers: ClinVar variation 2572046 (VCV002572046.3), dbSNP rs2470644258, ClinGen allele CA349907474.